The following is an entry in ClinVar:

ClinVar aggregate classification (germline): Conflicting classifications of pathogenicity. Review status: criteria provided, conflicting classifications (1 of 4 stars). 2 submissions from 2 submitters: Likely pathogenic (1); Uncertain significance (1). Last evaluated 2025-11-08.

Conditions:
Aortic valve disease 2 (AOVD2). Identifiers: MedGen C3542024, MONDO:0013902, OMIM 614823.
SMAD6-related disease. Also called: SMAD6-related condition; SMAD6-related disorder. Identifiers: MedGen CN381596, MONDO:0700324.

Allele frequency attached by ClinVar (database versions not stated): gnomAD exomes below 0.00001.

Submissions (2):

Labcorp Genetics (formerly Invitae), Labcorp
Classification: Uncertain significance for Aortic valve disease 2. Last evaluated: 2025-11-08. Review status: criteria provided, single submitter. Criteria: Invitae Variant Classification Sherloc (09022015). Collection method: clinical testing. Allele origin: germline.
Comment: This sequence change creates a premature translational stop signal (p.Trp14*) in the SMAD6 gene. It is expected to result in an absent or disrupted protein product. However, the current clinical and genetic evidence is not sufficient to establish whether loss-of-function variants in SMAD6 cause disease. This variant is not present in population databases (gnomAD no frequency). This premature translational stop signal has been observed in individual(s) with SMAD6-related conditions (PMID: 30796334, 34953066, 37977316). ClinVar contains an entry for this variant (Variation ID: 2727344). In summary, the available evidence is currently insufficient to determine the role of this variant in disease. Therefore, it has been classified as a Variant of Uncertain Significance.

Rady Children's Institute for Genomic Medicine, Rady Children's Hospital San Diego
Classification: Likely pathogenic for SMAD6-related disorders. Last evaluated: 2023-10-03. Review status: criteria provided, single submitter. Criteria: ACMG Guidelines, 2015. Collection method: clinical testing. Allele origin: germline. Affected: yes.
Comment: This nonsense variant found in exon 1 of 4 is predicted to result in loss of normal protein function through either protein truncation or nonsense-mediated mRNA decay. Loss-of-function variation in SMAD6 is an established mechanism of disease (PMID: 30796334, 36414630). This variant has not been previously reported or functionally characterized in the literature to our knowledge. The c.41G>A (p.Trp14Ter) variant is absent from the gnomAD population database and thus is presumed to be rare. Based on the available evidence, c.41G>A (p.Trp14Ter) is classified as Likely Pathogenic.

Literature cited by the submitters: PubMed 30796334 (cited by Labcorp Genetics (formerly Invitae), Labcorp and Rady Children's Institute for Genomic Medicine, Rady Children's Hospital San Diego); PubMed 34953066 (cited by Labcorp Genetics (formerly Invitae), Labcorp); PubMed 37977316 (cited by Labcorp Genetics (formerly Invitae), Labcorp); 36414630 (cited by Rady Children's Institute for Genomic Medicine, Rady Children's Hospital San Diego).

NM_005585.5(SMAD6):c.41G>A (p.Trp14Ter)

Gene: SMAD6 (SMAD family member 6; plus strand). Cytogenetic location: 15q22.31.
Variant type: single nucleotide variant.
Coding change: c.41G>A on transcript NM_005585.5 (MANE Select); coding-DNA position 41, G replaced by A.
Protein change: p.Trp14Ter; replaces tryptophan 14 with a stop codon.
Molecular consequence: nonsense. On other transcripts: non-coding transcript variant (1).
Genome position (GRCh38, 1-based): chr15:66,703,299, G>A. VCF-style: chr15-66703299-G-A. GRCh37 (hg19) VCF-style: chr15-66995637-G-A.
Other names: c.41G>A (NM_005585.4); short protein forms W14*.
Identifiers: ClinVar variation 2727344 (VCV002727344.4), dbSNP rs2545310288, ClinGen allele CA392948345.